The following is an entry in ClinVar:

NM_199420.4(POLQ):c.4361C>G (p.Thr1454Ser)

Gene: POLQ (DNA polymerase theta; minus strand). Cytogenetic location: 3q13.33.
Variant type: single nucleotide variant.
Coding change: c.4361C>G on transcript NM_199420.4 (MANE Select); coding-DNA position 4361, C replaced by G.
Protein change: p.Thr1454Ser; replaces threonine 1454 with serine.
Molecular consequence: missense variant.
Genome position (GRCh38, 1-based): chr3:121,488,570, G>C on the plus strand (C>G on the coding strand, the complement: POLQ is on the minus strand). VCF-style: chr3-121488570-G-C. GRCh37 (hg19) VCF-style: chr3-121207417-G-C.
Other names: short protein forms T1454S.
Identifiers: ClinVar variation 2449056 (VCV002449056.2), dbSNP rs2546785979, ClinGen allele CA354095310.

ClinVar aggregate classification (germline): Uncertain significance (1 of 4 stars; one submission).

Submission:

Ambry Genetics
Classification: Uncertain significance. Last evaluated: 2023-03-11. Review status: criteria provided, single submitter. Criteria: Ambry Variant Classification Scheme 2023. Collection method: clinical testing. Allele origin: germline.
Comment: The p.T1454S variant (also known as c.4361C>G), located in coding exon 16 of the POLQ gene, results from a C to G substitution at nucleotide position 4361. The threonine at codon 1454 is replaced by serine, an amino acid with similar properties. This amino acid position is conserved. In addition, this alteration is predicted to be tolerated by in silico analysis. Since supporting evidence is limited at this time, the clinical significance of this alteration remains unclear.